The following is an entry in ClinVar:

NM_000051.4(ATM):c.5348_5362del (p.Glu1783_Glu1787del)

Gene: ATM (ATM serine/threonine kinase; plus strand). Cytogenetic location: 11q22.3.
Variant type: Deletion.
Coding change: c.5348_5362del on transcript NM_000051.4 (MANE Select); coding-DNA positions 5348 to 5362, 15 bases deleted (AAAACCCTTTTGAAG).
Protein change: p.Glu1783_Glu1787del.
Molecular consequence: inframe indel (on NM_000051.3).
Genome position (GRCh38, 1-based): chr11:108,302,881-108,302,895, AAAACCCTTTTGAAG deleted; deleting any 15 consecutive bases within chr11:108,302,878-108,302,895 gives the same sequence; the c. name uses the placement nearest the transcript's 3' end. VCF-style (leftmost placement, unchanged base first): chr11-108302877-AAAGAAAACCCTTTTG-A. GRCh37 (hg19) VCF-style: chr11-108173604-AAAGAAAACCCTTTTG-A.
Other names: c.5348_5362del, p.Glu1783_Glu1787del (NM_001351834.2); c.5348_5362del15 (NM_000051.3).
Identifiers: ClinVar variation 3452002 (VCV003452002.1).
Genomic context (GRCh38, chr11:108,302,877, plus strand): 5'-TCTCTTATTTACATTTTCTAATCCCTTTCTTTCTAGTTTTTAGAAGTACCCAGATTTGAC[AAAGAAAACCCTTTTG>A]AAGGCCTGGATGATATAAATCTGTGGATTCCTCTAAGTGAAAATCATGACATTTGGATAA-3'

ClinVar aggregate classification (germline): Uncertain significance (1 of 4 stars; one submission).

Conditions:
Hereditary cancer-predisposing syndrome. Also called: Tumor predisposition; Neoplastic Syndromes, Hereditary; Hereditary neoplastic syndrome; Hereditary Cancer Syndrome. Identifiers: Orphanet 140162, MedGen C0027672, MeSH D009386, MONDO:0015356.

Submission:

Ambry Genetics
Classification: Uncertain significance for Hereditary cancer-predisposing syndrome. Last evaluated: 2024-11-08. Review status: criteria provided, single submitter. Criteria: Ambry Variant Classification Scheme 2023. Collection method: clinical testing. Allele origin: germline.
Comment: The c.5348_5362del15 variant (also known as p.E1783_E1787del) is located in coding exon 35 of the ATM gene. This variant results from an in-frame AAAACCCTTTTGAAG deletion at nucleotide positions 5348 to 5362. This results in the in-frame deletion of five amino acids from codons 1783 to 1787. This amino acid region is well conserved in available vertebrate species. In addition, this alteration is predicted to be deleterious by in silico analysis (Choi Y et al. PLoS ONE. 2012; 7(10):e46688). Based on the available evidence, the clinical significance of this variant remains unclear.